The following is an entry in ClinVar:

NM_000111.3(SLC26A3):c.1735C>T (p.Arg579Ter)

Gene: SLC26A3 (solute carrier family 26 member 3; minus strand). Cytogenetic location: 7q22.3.
Variant type: single nucleotide variant.
Coding change: c.1735C>T on transcript NM_000111.3 (MANE Select); coding-DNA position 1735, C replaced by T.
Protein change: p.Arg579Ter; replaces arginine 579 with a stop codon.
Molecular consequence: nonsense.
Genome position (GRCh38, 1-based): chr7:107,774,815, G>A on the plus strand (C>T on the coding strand, the complement: SLC26A3 is on the minus strand). VCF-style: chr7-107774815-G-A. GRCh37 (hg19) VCF-style: chr7-107415260-G-A.
Other names: short protein forms R579*.
Identifiers: ClinVar variation 2713332 (VCV002713332.5), dbSNP rs1171640656, ClinGen allele CA368850560.

ClinVar aggregate classification (germline): Pathogenic. Review status: criteria provided, multiple submitters, no conflicts (2 of 4 stars). 2 submissions from 2 submitters: Pathogenic (2). Last evaluated 2024-03-13.

Conditions:
Congenital secretory diarrhea, chloride type (DIAR1). Also called: DIARRHEA 1, SECRETORY CHLORIDE, CONGENITAL; CHLORIDORRHEA, CONGENITAL; CHLORIDE DIARRHEA, CONGENITAL, FINNISH TYPE. Identifiers: Orphanet 53689, MedGen C0267662, MONDO:0008964, OMIM 214700.

Allele frequency attached by ClinVar (database versions not stated): gnomAD 0.00001; gnomAD exomes 0.00001; TOPMed 0.00001.
gnomAD v4.1: 10 of 1,613,986 alleles (0.00062%); highest among the groups gnomAD compares: African/African-American, 0.004%; no homozygotes.

Submissions (2):

Fulgent Genetics
Classification: Pathogenic for Congenital secretory diarrhea, chloride type. Last evaluated: 2024-03-13. Review status: criteria provided, single submitter. Criteria: ACMG Guidelines, 2015. Collection method: clinical testing. Allele origin: germline.

Labcorp Genetics (formerly Invitae), Labcorp
Classification: Pathogenic. Last evaluated: 2023-03-01. Review status: criteria provided, single submitter. Criteria: Invitae Variant Classification Sherloc (09022015). Collection method: clinical testing. Allele origin: germline.
Comment: For these reasons, this variant has been classified as Pathogenic. This premature translational stop signal has been observed in individual(s) with congenital chloride diarrhea (PMID: 21694535, 28644346). This variant is present in population databases (no rsID available, gnomAD 0.004%). This sequence change creates a premature translational stop signal (p.Arg579*) in the SLC26A3 gene. It is expected to result in an absent or disrupted protein product. Loss-of-function variants in SLC26A3 are known to be pathogenic (PMID: 9718329, 21394828).

Literature cited by the submitters: PubMed 21694535 (cited by Labcorp Genetics (formerly Invitae), Labcorp); PubMed 28644346 (cited by Labcorp Genetics (formerly Invitae), Labcorp); PubMed 9718329 (cited by Labcorp Genetics (formerly Invitae), Labcorp); PubMed 21394828 (cited by Labcorp Genetics (formerly Invitae), Labcorp).